The following is an entry in ClinVar:

NM_001267550.2(TTN):c.62486T>G (p.Phe20829Cys)

Genes: TTN (titin; minus strand), TTN-AS1 (TTN antisense RNA 1; plus strand). Cytogenetic location: 2q31.2.
Variant type: single nucleotide variant.
Coding change: c.62486T>G on transcript NM_001267550.2 (MANE Select); coding-DNA position 62486, T replaced by G.
Protein change: p.Phe20829Cys; replaces phenylalanine 20829 with cysteine.
Molecular consequence: missense variant.
Genome position (GRCh38, 1-based): chr2:178,589,239, A>C on the plus strand (T>G on the coding strand, the complement: TTN is on the minus strand). VCF-style: chr2-178589239-A-C. GRCh37 (hg19) VCF-style: chr2-179453966-A-C.
Other names: c.57563T>G, p.Phe19188Cys (NM_001256850.1); c.35291T>G, p.Phe11764Cys (NM_003319.4); c.54782T>G, p.Phe18261Cys (NM_133378.4); c.35666T>G, p.Phe11889Cys (NM_133432.3); c.35867T>G, p.Phe11956Cys (NM_133437.4); c.62486T>G (NM_001267550.1); short protein forms F18261C, F20829C, F19188C, F11764C, F11889C, F11956C.
Identifiers: ClinVar variation 282667 (VCV000282667.9), dbSNP rs878916429, ClinGen allele CA10604259.

ClinVar aggregate classification (germline): Uncertain significance. Review status: criteria provided, multiple submitters, no conflicts (2 of 4 stars). 4 submissions from 4 submitters: Uncertain significance (4). Last evaluated 2025-01-03.

Conditions:
Dilated cardiomyopathy 1G (CMD1G). Identifiers: Orphanet 154, MedGen C1858763, MONDO:0011400, OMIM 604145.
Autosomal recessive limb-girdle muscular dystrophy type 2J (LGMDR10). Also called: Limb-girdle muscular dystrophy, type 2J; MUSCULAR DYSTROPHY, LIMB-GIRDLE, AUTOSOMAL RECESSIVE 10. Identifiers: Orphanet 140922, MedGen C1837342, MONDO:0012127, OMIM 608807.
Tibial muscular dystrophy (TMD). Also called: UDD MYOPATHY; Udd Distal Myopathy – Tibial Muscular Dystrophy; Tibial muscular dystrophy, tardive. Identifiers: Orphanet 609, MedGen C1838244, MONDO:0010870, OMIM 600334.
Early-onset myopathy with fatal cardiomyopathy (CMYO5). Also called: Salih Myopathy; CONGENITAL MYOPATHY 5 WITH CARDIOMYOPATHY. Identifiers: Orphanet 289377, MedGen C2673677, MONDO:0012714, OMIM 611705. Disease mechanism: loss of function.
Hypertrophic cardiomyopathy 9. Also called: Familial hypertrophic cardiomyopathy 9. Identifiers: MedGen C1861065, MONDO:0013412, OMIM 613765.
Myopathy, myofibrillar, 9, with early respiratory failure (MFM9). Also called: Hereditary myopathy with early respiratory failure; EDSTROM MYOPATHY; MYOPATHY, PROXIMAL, WITH EARLY RESPIRATORY MUSCLE INVOLVEMENT; Myopathy, distal, with early respiratory failure, autosomal dominant. Identifiers: Orphanet 178464, Orphanet 34521, MedGen C1863599, MONDO:0011362, OMIM 603689.

Allele frequency attached by ClinVar (database versions not stated): gnomAD exomes below 0.00001 and 0.00001; TOPMed 0.00002; gnomAD 0.00004.
gnomAD v4.1: 24 of 1,613,364 alleles (0.0015%); highest among the groups gnomAD compares: African/African-American, 0.0053%; no homozygotes.

Submissions (4):

GeneDx
Classification: Uncertain significance. Last evaluated: 2025-01-03. Review status: criteria provided, single submitter. Criteria: GeneDx Variant Classification Process June 2021. Collection method: clinical testing. Allele origin: germline. Affected: yes.
Comment: Not observed at significant frequency in large population cohorts (gnomAD); Missense variant in a gene in which most reported pathogenic variants are truncating/loss of function; Has not been previously published as pathogenic or benign to our knowledge

Fulgent Genetics
Classification: Uncertain significance for Tibial muscular dystrophy; Myopathy, myofibrillar, 9, with early respiratory failure; Dilated cardiomyopathy 1G; Autosomal recessive limb-girdle muscular dystrophy type 2J; Early-onset myopathy with fatal cardiomyopathy; Hypertrophic cardiomyopathy 9. Last evaluated: 2021-11-09. Review status: criteria provided, single submitter. Criteria: ACMG Guidelines, 2015. Collection method: clinical testing. Allele origin: unknown.

Labcorp Genetics (formerly Invitae), Labcorp
Classification: Uncertain significance for Dilated cardiomyopathy 1G; Autosomal recessive limb-girdle muscular dystrophy type 2J. Last evaluated: 2017-06-19. Review status: criteria provided, single submitter. Criteria: Invitae Variant Classification Sherloc (09022015). Collection method: clinical testing. Allele origin: germline.

Eurofins Ntd Llc (ga)
Classification: Uncertain significance. Last evaluated: 2015-08-17. Review status: criteria provided, single submitter. Criteria: EGL Classification Definitions 2015. Collection method: clinical testing. Allele origin: germline. Observed: 2 variant alleles, 2 heterozygotes.